The following is an entry in ClinVar:

ClinVar aggregate classification (germline): Uncertain significance. Review status: criteria provided, multiple submitters, no conflicts (2 of 4 stars). 2 submissions from 2 submitters: Uncertain significance (2). Last evaluated 2023-10-29.

Allele frequency attached by ClinVar (database versions not stated): gnomAD exomes 0.00001; TOPMed 0.00001; ExAC 0.00002.

Submissions (2):

Labcorp Genetics (formerly Invitae), Labcorp
Classification: Uncertain significance. Last evaluated: 2023-10-29. Review status: criteria provided, single submitter. Criteria: Invitae Variant Classification Sherloc (09022015). Collection method: clinical testing. Allele origin: germline.
Comment: This sequence change replaces valine, which is neutral and non-polar, with methionine, which is neutral and non-polar, at codon 1880 of the CACNA1F protein (p.Val1880Met). The frequency data for this variant in the population databases is considered unreliable, as metrics indicate poor data quality at this position in the gnomAD database. This variant has not been reported in the literature in individuals affected with CACNA1F-related conditions. ClinVar contains an entry for this variant (Variation ID: 1901586). Algorithms developed to predict the effect of missense changes on protein structure and function output the following: SIFT: "Not Available"; PolyPhen-2: "Possibly Damaging"; Align-GVGD: "Not Available". The methionine amino acid residue is found in multiple mammalian species, which suggests that this missense change does not adversely affect protein function. In summary, the available evidence is currently insufficient to determine the role of this variant in disease. Therefore, it has been classified as a Variant of Uncertain Significance.

Blueprint Genetics
Classification: Uncertain significance. Last evaluated: 2021-08-25. Review status: criteria provided, single submitter. Criteria: ACMG Guidelines, 2015. Collection method: clinical testing. Allele origin: germline.

NM_001256789.3(CACNA1F):c.5605G>A (p.Val1869Met)

Gene: CACNA1F (calcium voltage-gated channel subunit alpha1 F; minus strand). Cytogenetic location: Xp11.23.
Variant type: single nucleotide variant.
Coding change: c.5605G>A on transcript NM_001256789.3 (MANE Select); coding-DNA position 5605, G replaced by A.
Protein change: p.Val1869Met; replaces valine 1869 with methionine.
Molecular consequence: missense variant.
Genome position (GRCh38, 1-based): chrX:49,205,681, C>T on the plus strand (G>A on the coding strand, the complement: CACNA1F is on the minus strand). VCF-style: chrX-49205681-C-T. GRCh37 (hg19) VCF-style: chrX-49062141-C-T.
Other names: c.5443G>A, p.Val1815Met (NM_001256790.3); c.5638G>A, p.Val1880Met (NM_005183.4); short protein forms V1815M, V1869M, V1880M.
Identifiers: ClinVar variation 1901586 (VCV001901586.6), dbSNP rs782044027, ClinGen allele CA10409940.
Genomic context (GRCh38, chrX:49,205,681, plus strand): 5'-CCACCAAGCTGTCGGCACTGCCCCTCTTCCCATGGCTGGGGTCCGAGTGGGTTCCAGGCA[C>T]GTGCAGACAGGTGAAGGTGCGCAGTGGGCCACTGGATCTGCCGAGGTACCCCTCCCCCGC-3'
Protein context (NP_001243718.1, residues 1859-1879): GPLRTFTCLH[Val1869Met]PGTHSDPSHG